The following is an entry in ClinVar:

ClinVar aggregate classification (germline): Uncertain significance (1 of 4 stars; one submission).

gnomAD v4.1: 1 of 1,614,024 alleles (0.000062%); highest among the groups gnomAD compares: African/African-American, 0.0013%; no homozygotes.

Submission:

Labcorp Genetics (formerly Invitae), Labcorp
Classification: Uncertain significance. Last evaluated: 2024-04-27. Review status: criteria provided, single submitter. Criteria: Invitae Variant Classification Sherloc (09022015). Collection method: clinical testing. Allele origin: germline.
Comment: This sequence change replaces lysine, which is basic and polar, with asparagine, which is neutral and polar, at codon 1206 of the ARHGAP31 protein (p.Lys1206Asn). This variant is not present in population databases (gnomAD no frequency). This variant has not been reported in the literature in individuals affected with ARHGAP31-related conditions. An algorithm developed to predict the effect of missense changes on protein structure and function (PolyPhen-2) suggests that this variant is likely to be disruptive. In summary, the available evidence is currently insufficient to determine the role of this variant in disease. Therefore, it has been classified as a Variant of Uncertain Significance.

NM_020754.4(ARHGAP31):c.3618G>C (p.Lys1206Asn)

Gene: ARHGAP31 (Rho GTPase activating protein 31; plus strand). Cytogenetic location: 3q13.33.
Variant type: single nucleotide variant.
Coding change: c.3618G>C on transcript NM_020754.4 (MANE Select); coding-DNA position 3618, G replaced by C.
Protein change: p.Lys1206Asn; replaces lysine 1206 with asparagine.
Molecular consequence: missense variant.
Genome position (GRCh38, 1-based): chr3:119,415,547, G>C. VCF-style: chr3-119415547-G-C. GRCh37 (hg19) VCF-style: chr3-119134394-G-C.
Other names: short protein forms K1206N.
Identifiers: ClinVar variation 3686881 (VCV003686881.2).